The following is an entry in ClinVar:

NM_000550.3(TYRP1):c.708+3A>G

Gene: TYRP1 (tyrosinase related protein 1; plus strand). Cytogenetic location: 9p23.
Variant type: single nucleotide variant.
Coding change: c.708+3A>G on transcript NM_000550.3 (MANE Select); 3 bases into the intron after coding-DNA position 708, A replaced by G.
Molecular consequence: intron variant.
Genome position (GRCh38, 1-based): chr9:12,695,840, A>G. VCF-style: chr9-12695840-A-G. GRCh37 (hg19) VCF-style: chr9-12695840-A-G.
Identifiers: ClinVar variation 1496437 (VCV001496437.6), dbSNP rs2118224192, ClinGen allele CA2573143619.
Genomic context (GRCh38, chr9:12,695,840, plus strand): 5'-ACCAGCTTTTCTCACATGGCACAGGTACCACCTCCTGCGTCTGGAGAAAGACATGCAGGT[A>G]TGTAAGAAGCATTTCAGTTTGCAGACTCTTTACAGACAAGATGCCTTGTTTGTAAGTGAT-3'

ClinVar aggregate classification (germline): Uncertain significance (1 of 4 stars; one submission).

gnomAD v4.1: 1 of 1,613,820 alleles (0.000062%); no homozygotes.

Submission:

Labcorp Genetics (formerly Invitae), Labcorp
Classification: Uncertain significance. Last evaluated: 2022-10-24. Review status: criteria provided, single submitter. Criteria: Invitae Variant Classification Sherloc (09022015). Collection method: clinical testing. Allele origin: germline.
Comment: This sequence change falls in intron 3 of the TYRP1 gene. It does not directly change the encoded amino acid sequence of the TYRP1 protein. It affects a nucleotide within the consensus splice site. This variant is not present in population databases (gnomAD no frequency). This variant has not been reported in the literature in individuals affected with TYRP1-related conditions. ClinVar contains an entry for this variant (Variation ID: 1496437). Variants that disrupt the consensus splice site are a relatively common cause of aberrant splicing (PMID: 17576681, 9536098). Algorithms developed to predict the effect of sequence changes on RNA splicing suggest that this variant may disrupt the consensus splice site. In summary, the available evidence is currently insufficient to determine the role of this variant in disease. Therefore, it has been classified as a Variant of Uncertain Significance.

Literature cited by the submitters: PubMed 17576681; PubMed 9536098.